The following is an entry in ClinVar:

ClinVar aggregate classification (germline): Conflicting classifications of pathogenicity. Review status: criteria provided, conflicting classifications (1 of 4 stars). 4 submissions from 4 submitters: Uncertain significance (1); Benign (2). 1 of the submissions does not count toward it. Last evaluated 2021-07-30.

Conditions:
DNAH11-related disorder. Also called: DNAH11-related condition.
Primary ciliary dyskinesia 7. Also called: CILIARY DYSKINESIA, PRIMARY, 7, WITH OR WITHOUT SITUS INVERSUS. Identifiers: Orphanet 244, MedGen C2678473, MONDO:0012748, OMIM 611884.

Submissions (4):

Genome-Nilou Lab
Classification: Benign for Primary ciliary dyskinesia 7. Last evaluated: 2021-07-30. Review status: criteria provided, single submitter. Criteria: ACMG Guidelines, 2015. Collection method: clinical testing. Allele origin: germline. Affected: no.

GeneDx
Classification: Benign. Last evaluated: 2019-02-21. Review status: criteria provided, single submitter. Criteria: GeneDx Variant Classification Process June 2021. Collection method: clinical testing. Allele origin: germline. Affected: yes.

Eurofins Ntd Llc (ga)
Classification: Uncertain significance. Last evaluated: 2014-05-29. Review status: criteria provided, single submitter. Criteria: EGL Classification Definitions. Collection method: clinical testing. Allele origin: germline. Observed: 1 variant allele, 1 homozygote.

PreventionGenetics, part of Exact Sciences
Classification: Benign for DNAH11-related condition. Last evaluated: 2021-04-07. Review status: no assertion criteria provided. Collection method: clinical testing. Allele origin: germline. Not counted in ClinVar's aggregate classification.
Comment: This variant is classified as benign based on ACMG/AMP sequence variant interpretation guidelines (Richards et al. 2015 PMID: 25741868, with internal and published modifications).

NM_001277115.2(DNAH11):c.11691-20dup

Gene: DNAH11 (dynein axonemal heavy chain 11; plus strand). Cytogenetic location: 7p15.3.
Variant type: Duplication.
Coding change: c.11691-20dup on transcript NM_001277115.2 (MANE Select); 20 bases into the intron before coding-DNA position 11691, one base duplicated (T; older notation c.11691-20dupT).
Molecular consequence: intron variant.
Genome position (GRCh38, 1-based): chr7:21,867,839, T duplicated; the last of 5 consecutive T bases (chr7:21,867,835-21,867,839); duplicating any one gives the same sequence. VCF-style (leftmost placement, unchanged base first): chr7-21867834-G-GT. GRCh37 (hg19) VCF-style: chr7-21907452-G-GT.
Other names: c.11691-20dupT (NM_001277115.1).
Identifiers: ClinVar variation 198650 (VCV000198650.13), dbSNP rs5882827, ClinGen allele CA247431.